The following is an entry in ClinVar:

ClinVar aggregate classification (germline): Uncertain significance. Review status: criteria provided, multiple submitters, no conflicts (2 of 4 stars). 2 submissions from 2 submitters: Uncertain significance (2). Last evaluated 2026-07-28.

Conditions:
Inborn genetic diseases. Identifiers: MedGen C0950123, MeSH D030342.

gnomAD v4.1: 1 of 1,208,776 alleles (0.000083%); highest among the groups gnomAD compares: Non-Finnish European, 0.00011%; no homozygotes.

Submissions (2):

Ambry Genetics
Classification: Uncertain significance for Inborn genetic diseases. Last evaluated: 2026-07-28. Review status: criteria provided, single submitter. Criteria: Ambry Variant Classification Scheme 2023. Collection method: clinical testing. Allele origin: germline.

Labcorp Genetics (formerly Invitae), Labcorp
Classification: Uncertain significance. Last evaluated: 2024-02-01. Review status: criteria provided, single submitter. Criteria: Invitae Variant Classification Sherloc (09022015). Collection method: clinical testing. Allele origin: germline.
Comment: This sequence change replaces cysteine, which is neutral and slightly polar, with tyrosine, which is neutral and polar, at codon 580 of the CHM protein (p.Cys580Tyr). This variant is present in population databases (rs377433778, gnomAD 0.001%). This variant has not been reported in the literature in individuals affected with CHM-related conditions. Advanced modeling of protein sequence and biophysical properties (such as structural, functional, and spatial information, amino acid conservation, physicochemical variation, residue mobility, and thermodynamic stability) performed at Invitae indicates that this missense variant is not expected to disrupt CHM protein function with a negative predictive value of 80%. In summary, the available evidence is currently insufficient to determine the role of this variant in disease. Therefore, it has been classified as a Variant of Uncertain Significance.

NM_000390.4(CHM):c.1739G>A (p.Cys580Tyr)

Gene: CHM (CHM Rab escort protein; minus strand). Cytogenetic location: Xq21.2.
Variant type: single nucleotide variant.
Coding change: c.1739G>A on transcript NM_000390.4 (MANE Select); coding-DNA position 1739, G replaced by A.
Protein change: p.Cys580Tyr; replaces cysteine 580 with tyrosine.
Molecular consequence: missense variant.
Genome position (GRCh38, 1-based): chrX:85,873,083, C>T on the plus strand (G>A on the coding strand, the complement: CHM is on the minus strand). VCF-style: chrX-85873083-C-T. GRCh37 (hg19) VCF-style: chrX-85128088-C-T.
Other names: c.1295G>A, p.Cys432Tyr (NM_001320959.1, NM_001362517.1, NM_001362518.2 and 1 more transcripts); short protein forms C432Y, C580Y.
Identifiers: ClinVar variation 3703707 (VCV003703707.3).